The following is an entry in ClinVar:

ClinVar aggregate classification (germline): Uncertain significance. Review status: criteria provided, multiple submitters, no conflicts (2 of 4 stars). 2 submissions from 2 submitters: Uncertain significance (2). Last evaluated 2023-05-04.

Conditions:
Hereditary cancer-predisposing syndrome. Also called: Neoplastic Syndromes, Hereditary; Hereditary Cancer Syndrome; Tumor predisposition; Hereditary neoplastic syndrome. Identifiers: Orphanet 140162, MedGen C0027672, MeSH D009386, MONDO:0015356.
Familial cancer of breast. Also called: hereditary breast carcinoma; BREAST CANCER, FAMILIAL; Hereditary breast cancer. Identifiers: Orphanet 227535, MedGen C0346153, MONDO:0016419, OMIM 114480. Disease mechanism: loss of function.

Submissions (2):

Ambry Genetics
Classification: Uncertain significance for Hereditary cancer-predisposing syndrome. Last evaluated: 2023-05-04. Review status: criteria provided, single submitter. Criteria: Ambry Variant Classification Scheme 2023. Collection method: clinical testing. Allele origin: germline.
Comment: The p.Y492F variant (also known as c.1475A>T), located in coding exon 6 of the BARD1 gene, results from an A to T substitution at nucleotide position 1475. The tyrosine at codon 492 is replaced by phenylalanine, an amino acid with highly similar properties. This amino acid position is conserved. In addition, the in silico prediction for this alteration is inconclusive. Since supporting evidence is limited at this time, the clinical significance of this alteration remains unclear.

Labcorp Genetics (formerly Invitae), Labcorp
Classification: Uncertain significance for Familial cancer of breast. Last evaluated: 2021-05-06. Review status: criteria provided, single submitter. Criteria: Invitae Variant Classification Sherloc (09022015). Collection method: clinical testing. Allele origin: germline.
Comment: In summary, the available evidence is currently insufficient to determine the role of this variant in disease. Therefore, it has been classified as a Variant of Uncertain Significance. Algorithms developed to predict the effect of missense changes on protein structure and function are either unavailable or do not agree on the potential impact of this missense change (SIFT: "Deleterious"; PolyPhen-2: "Possibly Damaging"; Align-GVGD: "Class C15"). This variant has not been reported in the literature in individuals with BARD1-related conditions. This variant is not present in population databases (ExAC no frequency). This sequence change replaces tyrosine with phenylalanine at codon 492 of the BARD1 protein (p.Tyr492Phe). The tyrosine residue is highly conserved and there is a small physicochemical difference between tyrosine and phenylalanine.

NM_000465.4(BARD1):c.1475A>T (p.Tyr492Phe)

Gene: BARD1 (BRCA1 associated RING domain 1; minus strand). Cytogenetic location: 2q35.
Variant type: single nucleotide variant.
Coding change: c.1475A>T on transcript NM_000465.4 (MANE Select); coding-DNA position 1475, A replaced by T.
Protein change: p.Tyr492Phe; replaces tyrosine 492 with phenylalanine.
Molecular consequence: missense variant. On other transcripts: non-coding transcript variant (3), intron variant (3).
Genome position (GRCh38, 1-based): chr2:214,767,575, T>A on the plus strand (A>T on the coding strand, the complement: BARD1 is on the minus strand). VCF-style: chr2-214767575-T-A. GRCh37 (hg19) VCF-style: chr2-215632299-T-A.
Other names: c.1475A>T (NM_000465.2); c.1418A>T, p.Tyr473Phe (NM_001282543.2); c.159-15020A>T (NM_001282548.2); c.216-15020A>T (NM_001282545.2); c.364+24722A>T (NM_001282549.2); short protein forms Y473F, Y492F.
Identifiers: ClinVar variation 1473743 (VCV001473743.10), dbSNP rs587782000, ClinGen allele CA350448458.